The following is an entry in ClinVar:

NM_020719.3(PRR12):c.1809G>A (p.Pro603=)

Gene: PRR12 (proline rich 12; plus strand). Cytogenetic location: 19q13.33.
Variant type: single nucleotide variant.
Coding change: c.1809G>A on transcript NM_020719.3 (MANE Select); coding-DNA position 1809, G replaced by A.
Protein change: p.Pro603=; no amino-acid change (proline 603 retained).
Molecular consequence: synonymous variant.
Genome position (GRCh38, 1-based): chr19:49,596,144, G>A. VCF-style: chr19-49596144-G-A. GRCh37 (hg19) VCF-style: chr19-50099401-G-A.
Other names: NC_000019.9:g.50099401G>A.
Identifiers: ClinVar variation 712864 (VCV000712864.7), dbSNP rs113425094, ClinGen allele CA9577949.
Genomic context (GRCh38, chr19:49,596,144, plus strand): 5'-AGGAGCCCCTGGCAAATACCTGAGCTCAGTCTTGGCCTCAGCGCCTTTCCTGGCACCTCC[G>A]GGAGCTGGCAGCTATGCAGCCGGAGCAGGTGGCTACAAGGGCAAGGGGGATGGCTCGGAG-3'
Protein context (NP_065770.1, residues 593-613): VLASAPFLAP[Pro603=]GAGSYAAGAG

ClinVar aggregate classification (germline): Benign. Review status: criteria provided, multiple submitters, no conflicts (2 of 4 stars). 3 submissions from 3 submitters: Benign (2). 1 of the submissions does not count toward it. Last evaluated 2018-06-16.

Conditions:
PRR12-related disorder. Also called: PRR12-related condition.

Allele frequency attached by ClinVar (database versions not stated): gnomAD exomes 0.00125; ExAC 0.00140; 1000 Genomes Project 0.00459; gnomAD 0.00516 and 0.00558; TOPMed 0.00535; ESP Exome Variant Server 0.00472; 1000 Genomes Project 30x 0.00500.
gnomAD v4.1: 1,602 of 1,606,564 alleles (0.1%); highest among the groups gnomAD compares: African/African-American, 1.9%; 17 homozygotes.

Submissions (6):

Labcorp Genetics (formerly Invitae), Labcorp
Classification: Benign. Last evaluated: 2018-06-16. Review status: criteria provided, single submitter. Criteria: Invitae Variant Classification Sherloc (09022015). Collection method: clinical testing. Allele origin: germline.

Breakthrough Genomics
Classification: Benign. Review status: criteria provided, single submitter. Criteria: ACMG Guidelines, 2015. Collection method: not provided. Allele origin: germline. Inheritance: Autosomal dominant inheritance. Affected: yes.

PreventionGenetics, part of Exact Sciences
Classification: Benign for PRR12-related condition. Last evaluated: 2019-03-08. Review status: no assertion criteria provided. Collection method: clinical testing. Allele origin: germline. Not counted in ClinVar's aggregate classification.
Comment: This variant is classified as benign based on ACMG/AMP sequence variant interpretation guidelines (Richards et al. 2015 PMID: 25741868, with internal and published modifications).

Dr. Peter K. Rogan Lab, Western University
No classification provided (evidence only). Condition: Clear cell carcinoma of kidney. Review status: no classification provided. Collection method: in vitro. Allele origin: not applicable. Functional consequence: retained intron. Not counted in ClinVar's aggregate classification.

Dr. Peter K. Rogan Lab, Western University
No classification provided (evidence only). Condition: Uterine corpus endometrial carcinoma. Review status: no classification provided. Collection method: in vitro. Allele origin: not applicable. Functional consequence: retained intron. Not counted in ClinVar's aggregate classification.

Dr. Peter K. Rogan Lab, Western University
No classification provided (evidence only). Condition: Sarcoma. Review status: no classification provided. Collection method: in vitro. Allele origin: not applicable. Functional consequence: retained intron. Not counted in ClinVar's aggregate classification.